The following is an entry in ClinVar:

NM_032578.4(MYPN):c.917G>A (p.Gly306Asp)

Gene: MYPN (myopalladin; plus strand). Cytogenetic location: 10q21.3.
Variant type: single nucleotide variant.
Coding change: c.917G>A on transcript NM_032578.4 (MANE Select); coding-DNA position 917, G replaced by A.
Protein change: p.Gly306Asp; replaces glycine 306 with aspartic acid.
Molecular consequence: missense variant. On other transcripts: non-coding transcript variant (2).
Genome position (GRCh38, 1-based): chr10:68,142,954, G>A. VCF-style: chr10-68142954-G-A. GRCh37 (hg19) VCF-style: chr10-69902711-G-A.
Other names: c.917G>A, p.Gly306Asp (NM_001256267.2); c.35G>A, p.Gly12Asp (NM_001256268.2); c.917G>A (NM_032578.2); short protein forms G306D, G12D.
Identifiers: ClinVar variation 544045 (VCV000544045.7), dbSNP rs780873354, ClinGen allele CA5522379.

ClinVar aggregate classification (germline): Uncertain significance. Review status: criteria provided, multiple submitters, no conflicts (2 of 4 stars). 2 submissions from 2 submitters: Uncertain significance (2). Last evaluated 2026-03-23.

Conditions:
Cardiovascular phenotype. Identifiers: MedGen CN230736.
Dilated cardiomyopathy 1KK (CMD1KK). Identifiers: Orphanet 154, Orphanet 75249, MedGen C3714995, MONDO:0014100, OMIM 615248.

Allele frequency attached by ClinVar (database versions not stated): gnomAD exomes below 0.00001; TOPMed below 0.00001; ExAC 0.00001.

Submissions (2):

Ambry Genetics
Classification: Uncertain significance for Cardiovascular phenotype. Last evaluated: 2026-03-23. Review status: criteria provided, single submitter. Criteria: Ambry Variant Classification Scheme 2023. Collection method: clinical testing. Allele origin: germline.
Comment: The p.G306D variant (also known as c.917G>A), located in coding exon 2 of the MYPN gene, results from a G to A substitution at nucleotide position 917. The glycine at codon 306 is replaced by aspartic acid, an amino acid with similar properties. This amino acid position is conserved. In addition, the in silico prediction for this alteration is inconclusive. Based on the available evidence, the clinical significance of this variant remains unclear.

Labcorp Genetics (formerly Invitae), Labcorp
Classification: Uncertain significance for Dilated cardiomyopathy 1KK. Last evaluated: 2021-08-26. Review status: criteria provided, single submitter. Criteria: Invitae Variant Classification Sherloc (09022015). Collection method: clinical testing. Allele origin: germline.
Comment: This sequence change replaces glycine with aspartic acid at codon 306 of the MYPN protein (p.Gly306Asp). The glycine residue is highly conserved and there is a moderate physicochemical difference between glycine and aspartic acid. This variant is present in population databases (rs780873354, ExAC 0.001%). This variant has not been reported in the literature in individuals affected with MYPN-related conditions. Algorithms developed to predict the effect of missense changes on protein structure and function are either unavailable or do not agree on the potential impact of this missense change (SIFT: "Tolerated"; PolyPhen-2: "Probably Damaging"; Align-GVGD: "Class C0"). In summary, the available evidence is currently insufficient to determine the role of this variant in disease. Therefore, it has been classified as a Variant of Uncertain Significance.